The following is an entry in ClinVar:

NM_006509.4(RELB):c.1526C>T (p.Pro509Leu)

Gene: RELB (RELB proto-oncogene, NF-kB subunit; plus strand). Cytogenetic location: 19q13.32.
Variant type: single nucleotide variant.
Coding change: c.1526C>T on transcript NM_006509.4 (MANE Select); coding-DNA position 1526, C replaced by T.
Protein change: p.Pro509Leu; replaces proline 509 with leucine.
Molecular consequence: missense variant.
Genome position (GRCh38, 1-based): chr19:45,037,576, C>T. VCF-style: chr19-45037576-C-T. GRCh37 (hg19) VCF-style: chr19-45540834-C-T.
Other names: c.1517C>T, p.Pro506Leu (NM_001411087.1); short protein forms P506L, P509L.
Identifiers: ClinVar variation 2181480 (VCV002181480.4), dbSNP rs776495576, ClinGen allele CA9507894.

ClinVar aggregate classification (germline): Uncertain significance (1 of 4 stars; one submission).

Allele frequency attached by ClinVar (database versions not stated): gnomAD 0.00001.
gnomAD v4.1: 23 of 1,612,390 alleles (0.0014%); highest among the groups gnomAD compares: East Asian, 0.0089%; no homozygotes.

Submission:

Labcorp Genetics (formerly Invitae), Labcorp
Classification: Uncertain significance. Last evaluated: 2025-01-23. Review status: criteria provided, single submitter. Criteria: Invitae Variant Classification Sherloc (09022015). Collection method: clinical testing. Allele origin: germline.
Comment: This sequence change replaces proline, which is neutral and non-polar, with leucine, which is neutral and non-polar, at codon 509 of the RELB protein (p.Pro509Leu). This variant is present in population databases (rs776495576, gnomAD 0.008%). This variant has not been reported in the literature in individuals affected with RELB-related conditions. ClinVar contains an entry for this variant (Variation ID: 2181480). An algorithm developed to predict the effect of missense changes on protein structure and function (PolyPhen-2) suggests that this variant is likely to be disruptive. In summary, the available evidence is currently insufficient to determine the role of this variant in disease. Therefore, it has been classified as a Variant of Uncertain Significance.